The following is an entry in ClinVar:

NM_000277.3(PAH):c.1066-1G>T

Gene: PAH (phenylalanine hydroxylase; minus strand). Cytogenetic location: 12q23.2.
Variant type: single nucleotide variant.
Coding change: c.1066-1G>T on transcript NM_000277.3 (MANE Select); the canonical splice acceptor site of the intron before coding-DNA position 1066, G replaced by T.
Molecular consequence: splice acceptor variant.
Genome position (GRCh38, 1-based): chr12:102,843,780, C>A on the plus strand (G>T on the coding strand, the complement: PAH is on the minus strand). VCF-style: chr12-102843780-C-A. GRCh37 (hg19) VCF-style: chr12-103237558-C-A.
Other names: c.1066-1G>T (NM_001354304.2).
Identifiers: ClinVar variation 872842 (VCV000872842.4), dbSNP rs62508684, ClinGen allele CA16020930.

ClinVar aggregate classification (germline): Pathogenic. Review status: reviewed by expert panel (3 of 4 stars). 2 submissions from 2 submitters: Pathogenic (1). 1 of the submissions does not count toward it. Last evaluated 2019-10-18.

Conditions:
Phenylketonuria (PKU). Also called: FOLLING DISEASE; Phenylketonuria (PKU); OLIGOPHRENIA PHENYLPYRUVICA; Phenylketonurias. Identifiers: Orphanet 716, MedGen C0031485, MONDO:0009861, OMIM 261600. Disease mechanism: loss of function.

Submissions (2):

ClinGen PAH Variant Curation Expert Panel
Classification: Pathogenic for Phenylketonuria. Last evaluated: 2019-10-18. Review status: reviewed by expert panel. Criteria: ClinGen PAH ACMG Specifications v1. Collection method: curation. Allele origin: germline. Inheritance: Autosomal recessive inheritance.
Comment: DHPR activity, biopterin and/or pteridine analysis was performed to rule out other causes of hyperphenylalaninemia. This variant is absent from the population databases ExAC and gnomAD. This variant in the -1 splice acceptor site results in exon skipping. In summary, this variant meets criteria to be classified as pathogenic for PAH. PAH-specific ACMG/AMP criteria applied: PVS1, PM2, PP4_moderate.

Labcorp Genetics (formerly Invitae), Labcorp
Classification: Pathogenic for Phenylketonuria. Last evaluated: 2023-09-04. Review status: criteria provided, single submitter. Criteria: Invitae Variant Classification Sherloc (09022015). Collection method: clinical testing. Allele origin: germline. Not counted in ClinVar's aggregate classification.
Comment: This sequence change affects an acceptor splice site in intron 10 of the PAH gene. It is expected to disrupt RNA splicing. Variants that disrupt the donor or acceptor splice site typically lead to a loss of protein function (PMID: 16199547), and loss-of-function variants in PAH are known to be pathogenic (PMID: 1301187, 9634518). For these reasons, this variant has been classified as Pathogenic. Algorithms developed to predict the effect of sequence changes on RNA splicing suggest that this variant may disrupt the consensus splice site. ClinVar contains an entry for this variant (Variation ID: 872842). Disruption of this splice site has been observed in individuals with phenylketonuria (PMID: 12655550, 26322415, 26503515). This variant is not present in population databases (gnomAD no frequency).

Literature cited by the submitters: PubMed 26503515 (cited by ClinGen PAH Variant Curation Expert Panel and Labcorp Genetics (formerly Invitae), Labcorp); PubMed 16199547 (cited by Labcorp Genetics (formerly Invitae), Labcorp); PubMed 1301187 (cited by Labcorp Genetics (formerly Invitae), Labcorp); PubMed 9634518 (cited by Labcorp Genetics (formerly Invitae), Labcorp); PubMed 12655550 (cited by Labcorp Genetics (formerly Invitae), Labcorp); PubMed 26322415 (cited by Labcorp Genetics (formerly Invitae), Labcorp).